The following is an entry in ClinVar:

NM_001077653.2(TBX20):c.851A>G (p.Lys284Arg)

Gene: TBX20 (T-box transcription factor 20; minus strand). Cytogenetic location: 7p14.2.
Variant type: single nucleotide variant.
Coding change: c.851A>G on transcript NM_001077653.2 (MANE Select); coding-DNA position 851, A replaced by G.
Protein change: p.Lys284Arg; replaces lysine 284 with arginine.
Molecular consequence: missense variant.
Genome position (GRCh38, 1-based): chr7:35,231,543, T>C on the plus strand (A>G on the coding strand, the complement: TBX20 is on the minus strand). VCF-style: chr7-35231543-T-C. GRCh37 (hg19) VCF-style: chr7-35271155-T-C.
Other names: c.851A>G, p.Lys284Arg (NM_001166220.1); short protein forms K284R.
Identifiers: ClinVar variation 1763704 (VCV001763704.4), dbSNP rs2546989822, ClinGen allele CA367263776.

ClinVar aggregate classification (germline): Uncertain significance. Review status: criteria provided, multiple submitters, no conflicts (2 of 4 stars). 2 submissions from 2 submitters: Uncertain significance (2). Last evaluated 2024-04-16.

Conditions:
Cardiovascular phenotype. Identifiers: MedGen CN230736.

Submissions (2):

Labcorp Genetics (formerly Invitae), Labcorp
Classification: Uncertain significance. Last evaluated: 2024-04-16. Review status: criteria provided, single submitter. Criteria: Invitae Variant Classification Sherloc (09022015). Collection method: clinical testing. Allele origin: germline.
Comment: This sequence change replaces lysine, which is basic and polar, with arginine, which is basic and polar, at codon 284 of the TBX20 protein (p.Lys284Arg). This variant is not present in population databases (gnomAD no frequency). This variant has not been reported in the literature in individuals affected with TBX20-related conditions. ClinVar contains an entry for this variant (Variation ID: 1763704). Advanced modeling of protein sequence and biophysical properties (such as structural, functional, and spatial information, amino acid conservation, physicochemical variation, residue mobility, and thermodynamic stability) performed at Invitae indicates that this missense variant is expected to disrupt TBX20 protein function with a positive predictive value of 80%. In summary, the available evidence is currently insufficient to determine the role of this variant in disease. Therefore, it has been classified as a Variant of Uncertain Significance.

Ambry Genetics
Classification: Uncertain significance for Cardiovascular phenotype. Last evaluated: 2022-08-16. Review status: criteria provided, single submitter. Criteria: Ambry Variant Classification Scheme 2023. Collection method: clinical testing. Allele origin: germline.
Comment: The p.K284R variant (also known as c.851A>G), located in coding exon 6 of the TBX20 gene, results from an A to G substitution at nucleotide position 851. The lysine at codon 284 is replaced by arginine, an amino acid with highly similar properties. This amino acid position is conserved. In addition, this alteration is predicted to be deleterious by in silico analysis. Since supporting evidence is limited at this time, the clinical significance of this alteration remains unclear.